The following is an entry in ClinVar:

ClinVar aggregate classification (germline): Likely benign (1 of 4 stars; one submission).

Conditions:
MLIP-related disorder. Also called: MLIP-related condition.

gnomAD v4.1: 48 of 1,611,874 alleles (0.003%); highest among the groups gnomAD compares: African/African-American, 0.049%; no homozygotes.

Submission:

PreventionGenetics, part of Exact Sciences
Classification: Likely benign for MLIP-related condition. Last evaluated: 2026-06-24. Review status: criteria provided, single submitter. Criteria: ACMG Guidelines, 2015. Collection method: clinical testing. Allele origin: germline.
Comment: This variant is classified as likely benign based on ACMG/AMP sequence variant interpretation guidelines (Richards et al. 2015 PMID: 25741868, with internal and published modifications).

NM_001281747.2(MLIP):c.2218-7A>G

Gene: MLIP (muscular LMNA interacting protein; plus strand). Cytogenetic location: 6p12.1.
Variant type: single nucleotide variant.
Coding change: c.2218-7A>G on transcript NM_001281747.2 (MANE Select); 7 bases into the intron before coding-DNA position 2218, A replaced by G.
Molecular consequence: intron variant.
Genome position (GRCh38, 1-based): chr6:54,149,049, A>G. VCF-style: chr6-54149049-A-G. GRCh37 (hg19) VCF-style: chr6-54013847-A-G.
Other names: c.613-7A>G (NM_138569.3); c.2185-7A>G (NM_001281746.2).
Identifiers: ClinVar variation 4978916 (VCV004978916.1).